The following is an entry in ClinVar:

ClinVar aggregate classification (germline): Uncertain significance. Review status: criteria provided, multiple submitters, no conflicts (2 of 4 stars). 2 submissions from 2 submitters: Uncertain significance (2). Last evaluated 2025-02-25.

Allele frequency attached by ClinVar (database versions not stated): gnomAD exomes 0.00004; gnomAD 0.00005; ExAC 0.00007; 1000 Genomes Project 30x 0.00016; 1000 Genomes Project 0.00020.
gnomAD v4.1: 58 of 1,611,258 alleles (0.0036%); highest among the groups gnomAD compares: Non-Finnish European, 0.0048%; no homozygotes.

Submissions (2):

Ambry Genetics
Classification: Uncertain significance. Last evaluated: 2025-02-25. Review status: criteria provided, single submitter. Criteria: Ambry Variant Classification Scheme 2023. Collection method: clinical testing. Allele origin: germline.

Labcorp Genetics (formerly Invitae), Labcorp
Classification: Uncertain significance. Last evaluated: 2025-01-20. Review status: criteria provided, single submitter. Criteria: Invitae Variant Classification Sherloc (09022015). Collection method: clinical testing. Allele origin: germline.
Comment: This sequence change replaces glutamine, which is neutral and polar, with histidine, which is basic and polar, at codon 43 of the SUCO protein (p.Gln43His). This variant is present in population databases (rs116719025, gnomAD 0.008%). This variant has not been reported in the literature in individuals affected with SUCO-related conditions. ClinVar contains an entry for this variant (Variation ID: 2716732). An algorithm developed to predict the effect of missense changes on protein structure and function (PolyPhen-2) suggests that this variant is likely to be disruptive. In summary, the available evidence is currently insufficient to determine the role of this variant in disease. Therefore, it has been classified as a Variant of Uncertain Significance.

NM_014283.5(SUCO):c.129A>T (p.Gln43His)

Gene: SUCO (SUN domain containing ossification factor; plus strand). Cytogenetic location: 1q24.3.
Variant type: single nucleotide variant.
Coding change: c.129A>T on transcript NM_014283.5 (MANE Select); coding-DNA position 129, A replaced by T.
Protein change: p.Gln43His; replaces glutamine 43 with histidine.
Molecular consequence: missense variant. On other transcripts: 5 prime UTR variant (1).
Genome position (GRCh38, 1-based): chr1:172,551,578, A>T. VCF-style: chr1-172551578-A-T. GRCh37 (hg19) VCF-style: chr1-172520718-A-T.
Other names: c.129A>T, p.Gln43His (NM_001282750.2); c.-1401A>T (NM_001282751.2); c.714A>T, p.Gln238His (NM_016227.4); c.129A>T (NM_014283.3); short protein forms Q238H, Q43H.
Identifiers: ClinVar variation 2716732 (VCV002716732.4), dbSNP rs116719025, ClinGen allele CA1246463.
Genomic context (GRCh38, chr1:172,551,578, plus strand): 5'-CAGCTGGCGTGTATGTTGTAAAGAGAGTTCTTCAGCTTCAGCGTCATCATATTACTCTCA[A>T]GATGACAACTGCGCACTAGAAAATGAAGATGTACAATTCCAGAAAAAGGTGCCTTAAATA-3'
Protein context (NP_055098.1, residues 33-53): SSASASSYYS[Gln43His]DDNCALENED